The following is an entry in ClinVar:

NM_000492.4(CFTR):c.3915T>A (p.Asp1305Glu)

Gene: CFTR (CF transmembrane conductance regulator; plus strand). Cytogenetic location: 7q31.2.
Variant type: single nucleotide variant.
Coding change: c.3915T>A on transcript NM_000492.4 (MANE Select); coding-DNA position 3915, T replaced by A.
Protein change: p.Asp1305Glu; replaces aspartic acid 1305 with glutamic acid.
Molecular consequence: missense variant.
Genome position (GRCh38, 1-based): chr7:117,652,883, T>A. VCF-style: chr7-117652883-T-A. GRCh37 (hg19) VCF-style: chr7-117292937-T-A.
Other names: short protein forms D1305E.
Identifiers: ClinVar variation 53850 (VCV000053850.4), dbSNP rs397508640, ClinGen allele CA327341.

ClinVar aggregate classification (germline): Uncertain significance. Review status: criteria provided, multiple submitters, no conflicts (2 of 4 stars). 3 submissions from 3 submitters: Uncertain significance (2). 1 of the submissions does not count toward it. Last evaluated 2023-08-11.

Conditions:
Cystic fibrosis (CF). Also called: MUCOVISCIDOSIS. Identifiers: Orphanet 586, MedGen C0010674, MONDO:0009061, OMIM 219700. Disease mechanism: loss of function.

Allele frequency attached by ClinVar (database versions not stated): gnomAD exomes below 0.00001.
gnomAD v4.1: 5 of 1,601,388 alleles (0.00031%); highest among the groups gnomAD compares: Non-Finnish European, 0.00043%; no homozygotes.

Submissions (3):

Women's Health and Genetics/Laboratory Corporation of America, LabCorp
Classification: Uncertain significance. Last evaluated: 2023-08-11. Review status: criteria provided, single submitter. Criteria: LabCorp Variant Classification Summary - May 2015. Collection method: clinical testing. Allele origin: germline.
Comment: Variant summary: CFTR c.3915T>A (p.Asp1305Glu) results in a conservative amino acid change located in the ABC transporter-like, ATP-binding domain (IPR003439) of the encoded protein sequence. Four of five in-silico tools predict a damaging effect of the variant on protein function. The variant was absent in 249098 control chromosomes (gnomAD). The available data on variant occurrences in the general population are insufficient to allow any conclusion about variant significance. c.3915T>A has been reported in the literature in at least one individual affected with Congenital Absence of the Vas Deferens (Steiner_2011). These data do not allow any conclusion about variant significance. To our knowledge, no experimental evidence demonstrating an impact on protein function has been reported. The following publication has been ascertained in the context of this evaluation (PMID: 21520337). One ClinVar submitter has assessed the variant since 2014, and classified the variant as uncertain significance. Based on the evidence outlined above, the variant was classified as uncertain significance.

Ambry Genetics
Classification: Uncertain significance for Cystic fibrosis. Last evaluated: 2020-08-27. Review status: criteria provided, single submitter. Criteria: Ambry Variant Classification Scheme 2023. Collection method: clinical testing. Allele origin: germline.
Comment: The p.D1305E variant (also known as c.3915T>A), located in coding exon 24 of the CFTR gene, results from a T to A substitution at nucleotide position 3915. The aspartic acid at codon 1305 is replaced by glutamic acid, an amino acid with highly similar properties. This amino acid position is highly conserved in available vertebrate species. In addition, this alteration is predicted to be deleterious by in silico analysis. Since supporting evidence is limited at this time, the clinical significance of this alteration remains unclear.

ClinVar Staff, National Center for Biotechnology Information (NCBI)
No classification provided. Condition: CFTR-related disorders. Review status: no classification provided. Collection method: literature only. Allele origin: germline. Affected: yes. Not counted in ClinVar's aggregate classification.

Literature cited by the submitters: PubMed 21520337 (cited by Women's Health and Genetics/Laboratory Corporation of America, LabCorp and Ambry Genetics); PubMed 20059485 (cited by ClinVar Staff, National Center for Biotechnology Information (NCBI)).